The following is an entry in ClinVar:

NM_000428.3(LTBP2):c.3142G>T (p.Gly1048Cys)

Gene: LTBP2 (latent transforming growth factor beta binding protein 2; minus strand). Cytogenetic location: 14q24.3.
Variant type: single nucleotide variant.
Coding change: c.3142G>T on transcript NM_000428.3 (MANE Select); coding-DNA position 3142, G replaced by T.
Protein change: p.Gly1048Cys; replaces glycine 1048 with cysteine.
Molecular consequence: missense variant.
Genome position (GRCh38, 1-based): chr14:74,510,100, C>A on the plus strand (G>T on the coding strand, the complement: LTBP2 is on the minus strand). VCF-style: chr14-74510100-C-A. GRCh37 (hg19) VCF-style: chr14-74976803-C-A.
Other names: short protein forms G1048C.
Identifiers: ClinVar variation 1359131 (VCV001359131.6), dbSNP rs774280218, ClinGen allele CA7269284.

ClinVar aggregate classification (germline): Uncertain significance (1 of 4 stars; one submission).

Allele frequency attached by ClinVar (database versions not stated): TOPMed below 0.00001; gnomAD 0.00001.
gnomAD v4.1: 7 of 1,613,968 alleles (0.00043%); highest among the groups gnomAD compares: Admixed American, 0.012%; no homozygotes.

Submission:

Labcorp Genetics (formerly Invitae), Labcorp
Classification: Uncertain significance. Last evaluated: 2024-02-05. Review status: criteria provided, single submitter. Criteria: Invitae Variant Classification Sherloc (09022015). Collection method: clinical testing. Allele origin: germline.
Comment: This sequence change replaces glycine, which is neutral and non-polar, with cysteine, which is neutral and slightly polar, at codon 1048 of the LTBP2 protein (p.Gly1048Cys). This variant is present in population databases (rs774280218, gnomAD 0.006%). This variant has not been reported in the literature in individuals affected with LTBP2-related conditions. ClinVar contains an entry for this variant (Variation ID: 1359131). An algorithm developed to predict the effect of missense changes on protein structure and function (PolyPhen-2) suggests that this variant is likely to be disruptive. In summary, the available evidence is currently insufficient to determine the role of this variant in disease. Therefore, it has been classified as a Variant of Uncertain Significance.